The following is an entry in ClinVar:

ClinVar aggregate classification (germline): Likely benign (1 of 4 stars; one submission).

Submission:

CeGaT Center for Human Genetics Tuebingen
Classification: Likely benign. Last evaluated: 2026-07-01. Review status: criteria provided, single submitter. Criteria: CeGaT Center For Human Genetics Tuebingen Variant Classification Criteria Version 2. Collection method: clinical testing. Allele origin: germline. Affected: yes. Observed: 1 variant allele.
Comment: PINK1: PM2:Supporting, BP4, BP7

NM_032409.3(PINK1):c.330C>A (p.Leu110=)

Gene: PINK1 (PTEN induced kinase 1; plus strand). Cytogenetic location: 1p36.12.
Variant type: single nucleotide variant.
Coding change: c.330C>A on transcript NM_032409.3 (MANE Select); coding-DNA position 330, C replaced by A.
Protein change: p.Leu110=; no amino-acid change (leucine 110 retained).
Molecular consequence: synonymous variant.
Genome position (GRCh38, 1-based): chr1:20,633,878, C>A. VCF-style: chr1-20633878-C-A. GRCh37 (hg19) VCF-style: chr1-20960371-C-A.
Identifiers: ClinVar variation 5040067 (VCV005040067.1).